The following is an entry in ClinVar:

NM_002382.5(MAX):c.433G>A (p.Glu145Lys)

Gene: MAX (MYC associated factor X; minus strand). Cytogenetic location: 14q23.3.
Variant type: single nucleotide variant.
Coding change: c.433G>A on transcript NM_002382.5 (MANE Select); coding-DNA position 433, G replaced by A.
Protein change: p.Glu145Lys; replaces glutamic acid 145 with lysine.
Molecular consequence: missense variant. On other transcripts: 3 prime UTR variant (12), non-coding transcript variant (7), intron variant (2).
Genome position (GRCh38, 1-based): chr14:65,076,526, C>T on the plus strand (G>A on the coding strand, the complement: MAX is on the minus strand). VCF-style: chr14-65076526-C-T. GRCh37 (hg19) VCF-style: chr14-65543244-C-T.
Other names: c.244G>A, p.Glu82Lys (NM_001320415.2, NM_001407105.1, NM_001407106.1 and 1 more transcripts); c.433G>A, p.Glu145Lys (NM_001407094.1); c.406G>A, p.Glu136Lys (NM_001407095.1, NM_145112.3); c.*206G>A (NM_001407096.1, NM_001407099.1, NM_001407102.1 and 2 more transcripts); c.*222G>A (NM_001407097.1, NM_001407100.1, NM_001407101.1 and 4 more transcripts); c.325G>A, p.Glu109Lys (NM_001407098.1); c.232G>A, p.Glu78Lys (NM_001407111.1, NM_001407112.1); c.144+17182G>A (NM_001271069.2); and 1 more; short protein forms E109K, E136K, E145K, E78K, E82K.
Identifiers: ClinVar variation 3901622 (VCV003901622.1).

ClinVar aggregate classification (germline): Uncertain significance (1 of 4 stars; one submission).

Submission:

GeneDx
Classification: Uncertain significance. Last evaluated: 2024-11-25. Review status: criteria provided, single submitter. Criteria: GeneDx Variant Classification Process June 2021. Collection method: clinical testing. Allele origin: germline. Affected: yes.
Comment: Not observed at significant frequency in large population cohorts (gnomAD); In silico analysis supports that this missense variant has a deleterious effect on protein structure/function; Has not been previously published as pathogenic or benign to our knowledge